The following is an entry in ClinVar:

NM_001711.6(BGN):c.955G>T (p.Asp319Tyr)

Gene: BGN (biglycan; plus strand). Cytogenetic location: Xq28.
Variant type: single nucleotide variant.
Coding change: c.955G>T on transcript NM_001711.6 (MANE Select); coding-DNA position 955, G replaced by T.
Protein change: p.Asp319Tyr; replaces aspartic acid 319 with tyrosine.
Molecular consequence: missense variant.
Genome position (GRCh38, 1-based): chrX:153,508,293, G>T. VCF-style: chrX-153508293-G-T. GRCh37 (hg19) VCF-style: chrX-152773751-G-T.
Other names: short protein forms D319Y.
Identifiers: ClinVar variation 3766472 (VCV003766472.1).

ClinVar aggregate classification (germline): Uncertain significance (1 of 4 stars; one submission).

Submission:

ARUP Laboratories, Molecular Genetics and Genomics, ARUP Laboratories
Classification: Uncertain significance. Last evaluated: 2024-02-21. Review status: criteria provided, single submitter. Criteria: ARUP Molecular Germline Variant Investigation Process 2024. Collection method: clinical testing. Allele origin: germline.
Comment: The BGN c.955G>T; p.Asp319Tyr variant, to our knowledge, is not reported in the medical literature or gene specific databases. This variant is also absent from the Genome Aggregation Database (v2.1.1), indicating it is not a common polymorphism. Computational analyses are uncertain whether this variant is neutral or deleterious (REVEL: 0.624). Due to limited information, the clinical significance of this variant is uncertain at this time.